The following is an entry in ClinVar:

NM_001105247.2(ARMC5):c.1884C>T (p.Asn628=)

Gene: ARMC5 (armadillo repeat containing 5; plus strand). Cytogenetic location: 16p11.2.
Variant type: single nucleotide variant.
Coding change: c.1884C>T on transcript NM_001105247.2 (MANE Select); coding-DNA position 1884, C replaced by T.
Protein change: p.Asn628=; no amino-acid change (asparagine 628 retained).
Molecular consequence: synonymous variant. On other transcripts: 3 prime UTR variant (1).
Genome position (GRCh38, 1-based): chr16:31,465,869, C>T. VCF-style: chr16-31465869-C-T. GRCh37 (hg19) VCF-style: chr16-31477190-C-T.
Other names: c.2169C>T, p.Asn723= (NM_001288767.2); c.1980C>T, p.Asn660= (NM_001301820.1); c.*668C>T (NM_024742.2); c.2169C>T (NM_001288767.1).
Identifiers: ClinVar variation 727936 (VCV000727936.4), dbSNP rs374631609, ClinGen allele CA8029907.

ClinVar aggregate classification (germline): Likely benign. Review status: criteria provided, single submitter (1 of 4 stars). 2 submissions from 2 submitters: Likely benign (1). 1 of the submissions does not count toward it. Last evaluated 2018-10-17.

Conditions:
ARMC5-related disorder. Also called: ARMC5-related condition.

Allele frequency attached by ClinVar (database versions not stated): gnomAD exomes below 0.00001 and 0.00002; ExAC 0.00002; gnomAD 0.00003; TOPMed 0.00003; ESP Exome Variant Server 0.00008.
gnomAD v4.1: 9 of 1,609,534 alleles (0.00056%); highest among the groups gnomAD compares: African/African-American, 0.008%; no homozygotes.

Submissions (2):

Labcorp Genetics (formerly Invitae), Labcorp
Classification: Likely benign. Last evaluated: 2018-10-17. Review status: criteria provided, single submitter. Criteria: Invitae Variant Classification Sherloc (09022015). Collection method: clinical testing. Allele origin: germline.

PreventionGenetics, part of Exact Sciences
Classification: Likely benign for ARMC5-related condition. Last evaluated: 2022-09-22. Review status: no assertion criteria provided. Collection method: clinical testing. Allele origin: germline. Not counted in ClinVar's aggregate classification.
Comment: This variant is classified as likely benign based on ACMG/AMP sequence variant interpretation guidelines (Richards et al. 2015 PMID: 25741868, with internal and published modifications).